The following is an entry in ClinVar:

NM_000292.3(PHKA2):c.2517+3C>T

Gene: PHKA2 (phosphorylase kinase regulatory subunit alpha 2; minus strand). Cytogenetic location: Xp22.13.
Variant type: single nucleotide variant.
Coding change: c.2517+3C>T on transcript NM_000292.3 (MANE Select); 3 bases into the intron after coding-DNA position 2517, C replaced by T.
Molecular consequence: intron variant.
Genome position (GRCh38, 1-based): chrX:18,907,897, G>A on the plus strand (C>T on the coding strand, the complement: PHKA2 is on the minus strand). VCF-style: chrX-18907897-G-A. GRCh37 (hg19) VCF-style: chrX-18926015-G-A.
Identifiers: ClinVar variation 508941 (VCV000508941.1), dbSNP rs1457833439, ClinGen allele CA640516887.

ClinVar aggregate classification (germline): Likely benign (1 of 4 stars; one submission).

Allele frequency attached by ClinVar (database versions not stated): gnomAD exomes 0.00001 and 0.00002.
gnomAD v4.1: 26 of 1,210,890 alleles (0.0021%); highest among the groups gnomAD compares: Non-Finnish European, 0.0029%; no homozygotes.

Submission:

GeneDx
Classification: Likely benign. Last evaluated: 2017-04-28. Review status: criteria provided, single submitter. Criteria: GeneDx Variant Classification (06012015). Collection method: clinical testing. Allele origin: germline. Affected: yes.
Comment: This variant is considered likely benign or benign based on one or more of the following criteria: it is a conservative change, it occurs at a poorly conserved position in the protein, it is predicted to be benign by multiple in silico algorithms, and/or has population frequency not consistent with disease.